The following is an entry in ClinVar:

NM_020754.4(ARHGAP31):c.389G>A (p.Arg130Gln)

Gene: ARHGAP31 (Rho GTPase activating protein 31; plus strand). Cytogenetic location: 3q13.33.
Variant type: single nucleotide variant.
Coding change: c.389G>A on transcript NM_020754.4 (MANE Select); coding-DNA position 389, G replaced by A.
Protein change: p.Arg130Gln; replaces arginine 130 with glutamine.
Molecular consequence: missense variant.
Genome position (GRCh38, 1-based): chr3:119,380,944, G>A. VCF-style: chr3-119380944-G-A. GRCh37 (hg19) VCF-style: chr3-119099791-G-A.
Other names: short protein forms R130Q.
Identifiers: ClinVar variation 1437988 (VCV001437988.12), dbSNP rs201216830, ClinGen allele CA2553556.

ClinVar aggregate classification (germline): Conflicting classifications of pathogenicity. Review status: criteria provided, conflicting classifications (1 of 4 stars). 2 submissions from 2 submitters: Uncertain significance (1); Likely benign (1). Last evaluated 2025-11-01.

Allele frequency attached by ClinVar (database versions not stated): TOPMed below 0.00001; gnomAD 0.00001; ExAC 0.00002; gnomAD exomes 0.00002; 1000 Genomes Project 30x 0.00016; 1000 Genomes Project 0.00020.
gnomAD v4.1: 28 of 1,614,126 alleles (0.0017%); highest among the groups gnomAD compares: South Asian, 0.0022%; no homozygotes.

Submissions (2):

CeGaT Center for Human Genetics Tuebingen
Classification: Likely benign. Last evaluated: 2025-11-01. Review status: criteria provided, single submitter. Criteria: CeGaT Center For Human Genetics Tuebingen Variant Classification Criteria Version 2. Collection method: clinical testing. Allele origin: germline. Affected: yes. Observed: 1 variant allele.
Comment: ARHGAP31: BP4

Labcorp Genetics (formerly Invitae), Labcorp
Classification: Uncertain significance. Last evaluated: 2021-12-02. Review status: criteria provided, single submitter. Criteria: Invitae Variant Classification Sherloc (09022015). Collection method: clinical testing. Allele origin: germline.
Comment: In summary, the available evidence is currently insufficient to determine the role of this variant in disease. Therefore, it has been classified as a Variant of Uncertain Significance. Algorithms developed to predict the effect of missense changes on protein structure and function are either unavailable or do not agree on the potential impact of this missense change (SIFT: "Tolerated"; PolyPhen-2: "Probably Damaging"; Align-GVGD: "Class C0"). This variant has not been reported in the literature in individuals affected with ARHGAP31-related conditions. This variant is present in population databases (rs201216830, gnomAD 0.01%). This sequence change replaces arginine, which is basic and polar, with glutamine, which is neutral and polar, at codon 130 of the ARHGAP31 protein (p.Arg130Gln).